The following is an entry in ClinVar:

NM_144997.7(FLCN):c.*379G>A

Gene: FLCN (folliculin; minus strand). Cytogenetic location: 17p11.2.
Variant type: single nucleotide variant.
Coding change: c.*379G>A on transcript NM_144997.7 (MANE Select); 379 bases downstream of the stop codon, G replaced by A.
Molecular consequence: 3 prime UTR variant.
Genome position (GRCh38, 1-based): chr17:17,213,276, C>T on the plus strand (G>A on the coding strand, the complement: FLCN is on the minus strand). VCF-style: chr17-17213276-C-T. GRCh37 (hg19) VCF-style: chr17-17116590-C-T.
Other names: c.*379G>A (NM_001353229.2, NM_001353230.2, NM_001353231.2 and 1 more transcripts).
Identifiers: ClinVar variation 322054 (VCV000322054.5), dbSNP rs117436649, ClinGen allele CA10648695.

ClinVar aggregate classification (germline): Conflicting classifications of pathogenicity. Review status: criteria provided, conflicting classifications (1 of 4 stars). 2 submissions from 1 submitter: Uncertain significance (1); Benign (1). Last evaluated 2018-01-13.

Conditions:
Familial spontaneous pneumothorax (PSP). Identifiers: Orphanet 2903, MedGen C1868193, MONDO:0008259, OMIM 173600.
Birt-Hogg-Dube syndrome. Also called: Birt Hogg Dubé syndrome. Identifiers: Orphanet 122, MedGen C0346010, MONDO:0800444.

Allele frequency attached by ClinVar (database versions not stated): gnomAD 0.00021 and 0.00029; gnomAD exomes 0.00046; TOPMed 0.00051; 1000 Genomes Project 30x 0.00109; 1000 Genomes Project 0.00120.
gnomAD v4.1: 170 of 425,832 alleles (0.04%); highest among the groups gnomAD compares: East Asian, 0.6%; no homozygotes.

Submissions (2):

Illumina Laboratory Services, Illumina
Classification: Benign for Birt-Hogg-Dube syndrome 1. Last evaluated: 2018-01-13. Review status: criteria provided, single submitter. Criteria: ICSL Variant Classification Criteria 13 December 2019. Collection method: clinical testing. Allele origin: germline.
Comment: This variant was observed in the ICSL laboratory as part of a predisposition screen in an ostensibly healthy population. It had not been previously curated by ICSL or reported in the Human Gene Mutation Database (HGMD: prior to June 1st, 2018), and was therefore a candidate for classification through an automated scoring system. Utilizing variant allele frequency, disease prevalence and penetrance estimates, and inheritance mode, an automated score was calculated to assess if this variant is too frequent to cause the disease. Based on the score and internal cut-off values, a variant classified as benign is not then subjected to further curation. The score for this variant resulted in a classification of benign for this disease.

Illumina Laboratory Services, Illumina
Classification: Uncertain significance for Familial spontaneous pneumothorax. Last evaluated: 2018-01-13. Review status: criteria provided, single submitter. Criteria: ICSL Variant Classification Criteria 13 December 2019. Collection method: clinical testing. Allele origin: germline.